The following is an entry in ClinVar:

NM_058195.4(CDKN2A):c.194-3653G>T

Genes: CDKN2A (cyclin dependent kinase inhibitor 2A; minus strand), LOC130001603 (ATAC-STARR-seq lymphoblastoid silent region 19811; plus strand). Cytogenetic location: 9p21.3.
Variant type: single nucleotide variant.
Coding change: c.194-3653G>T on transcript NM_058195.4 (MANE Plus Clinical); 3653 bases into the intron before coding-DNA position 194, G replaced by T.
Molecular consequence: intron variant.
Genome position (GRCh38, 1-based): chr9:21,974,861, C>A on the plus strand (G>T on the coding strand, the complement: CDKN2A is on the minus strand). VCF-style: chr9-21974861-C-A. GRCh37 (hg19) VCF-style: chr9-21974860-C-A.
Other names: -34G-T; c.-34G>T (NM_000077.6); c.-3-3653G>T (NM_001363763.2).
Identifiers: ClinVar variation 182414 (VCV000182414.80), dbSNP rs1800586, ClinGen allele CA299030.

ClinVar aggregate classification (germline): Pathogenic. Review status: criteria provided, multiple submitters, no conflicts (2 of 4 stars). 19 submissions from 19 submitters: Pathogenic (17). 2 of the submissions do not count toward it. Last evaluated 2026-03-24.

Conditions:
CDKN2A-related disorder. Also called: CDKN2A-related condition.
Melanoma. Identifiers: MedGen C0025202, MeSH D008545, MONDO:0005105, HP:0002861.
Ovarian neoplasm. Also called: Ovarian tumor; Ovarian Neoplasms; Neoplasm of ovary. Identifiers: MedGen C0919267, MeSH D010051, MONDO:0021068, HP:0100615.
Hereditary cancer-predisposing syndrome. Also called: Hereditary Cancer Syndrome; Tumor predisposition; Neoplastic Syndromes, Hereditary; Hereditary neoplastic syndrome. Identifiers: Orphanet 140162, MedGen C0027672, MeSH D009386, MONDO:0015356.
Familial melanoma. Also called: Hereditary melanoma; Hereditary cutaneous melanoma. Identifiers: Orphanet 618, MedGen C1512419, MONDO:0018961.
Melanoma, cutaneous malignant, susceptibility to, 2 (CMM2). Also called: CDKN2A-Related Cutaneous Malignant Melanoma; Cutaneous malignant melanoma 2. Identifiers: Orphanet 618, MedGen C1835044, MONDO:0007964, OMIM 155601.
Melanoma and neural system tumor syndrome. Also called: MELANOMA-ASTROCYTOMA SYNDROME. Identifiers: Orphanet 252206, MedGen C1835042, MONDO:0007967, OMIM 155755.
Melanoma-pancreatic cancer syndrome. Identifiers: Orphanet 404560, MedGen C1838547, MONDO:0011713, OMIM 606719. Disease mechanism: loss of function.

Allele frequency attached by ClinVar (database versions not stated): TOPMed 0.00002.
gnomAD v4.1: 91 of 1,509,400 alleles (0.006%); highest among the groups gnomAD compares: Admixed American, 0.011%; no homozygotes.

Submissions 1 to 7 of 19:

Dasa
Classification: Pathogenic. Last evaluated: 2026-03-24. Review status: criteria provided, single submitter. Criteria: DASA Assertion Criteria. Collection method: clinical testing. Allele origin: germline.
Comment: NM_058195.4(CDKN2A):c.194-3653G>T is a splice-region variant predicted to affect normal RNA splicing. Functional evidence supports a deleterious effect on the gene or gene product (PMID: 9916806; PMID: 20093296; PMID: 16397522; PMID: 19523171; PMID: 31567591). This variant has been recurrently observed in individuals with related phenotype (PMID: 9916806; PMID: 20093296; PMID: 16397522; PMID: 19523171; PMID: 31567591). Segregation evidence has been reported in affected families. The variant is present at low frequency in population datasets. Based on the available data, this variant is classified as pathogenic.

Labcorp Genetics (formerly Invitae), Labcorp
Classification: Pathogenic for Familial melanoma. Last evaluated: 2026-01-19. Review status: criteria provided, single submitter. Criteria: Invitae Variant Classification Sherloc (09022015). Collection method: clinical testing. Allele origin: germline.
Comment: This variant occurs in a non-coding region of the CDKN2A (p16INK4a) gene. It does not change the encoded amino acid sequence of the CDKN2A (p16INK4a) protein. The frequency data for this variant in the population databases is considered unreliable, as metrics indicate poor data quality at this position in the gnomAD database. This variant has been observed in individual(s) with familial melanoma (PMID: 9916806, 10738302, 16397522, 17713569, 18025365, 18337833, 19523171). It is commonly reported in individuals of British ancestry (PMID: 9916806, 10738302, 16397522, 17713569, 18025365, 18337833, 19523171). ClinVar contains an entry for this variant (Variation ID: 182414). Studies have shown that this variant alters CDKN2A (p16INK4a) gene expression (PMID: 9916806, 20093296). For these reasons, this variant has been classified as Pathogenic.

PreventionGenetics, part of Exact Sciences
Classification: Pathogenic for CDKN2A-related condition. Last evaluated: 2026-01-07. Review status: criteria provided, single submitter. Criteria: ACMG Guidelines, 2015. Collection method: clinical testing. Allele origin: germline.
Comment: The CDKN2A c.-34G>T variant is located in the 5' untranslated region. This variant corresponds to a deep intronic position in the alternate transcript for this gene that encodes p14ARF (NM_058195.3:c.194-3653G>T). This variant has been reported in individuals with melanoma and segregated within families (Liu et al. 1999. PubMed ID: 9916806; Harland et al. 2000. PubMed ID: 10738302; Andreotti et al. 2016. PubMed ID: 26581427). It has also been reported in an individual with pancreatic adenocarcinoma (Brand et al. 2018. PubMed ID: 30067863). In vitro experimental studies indicate that this variant results in a novel alternative initiator that subsequently leads to decreased translation from the normal start site and ultimately a truncated protein (Liu et al. 1999. PubMed ID: 9916806). In addition, this variant significantly alters transcriptional activity as observed by in vitro reporter assay (Bisio et al. 2010. PubMed ID: 20093296). This variant is reported in 6 of ~147,000 alleles in gnomAD; however, the data quality is questionable and should be interpreted with caution. This variant is interpreted as pathogenic in ClinVar (Variation ID: 182414). This variant is interpreted as pathogenic.

CeGaT Center for Human Genetics Tuebingen
Classification: Pathogenic. Last evaluated: 2025-12-01. Review status: criteria provided, single submitter. Criteria: CeGaT Center For Human Genetics Tuebingen Variant Classification Criteria Version 2. Collection method: clinical testing. Allele origin: germline. Affected: yes. Observed: 3 variant alleles.
Comment: CDKN2A: PP1:Strong, PM2, PS3:Moderate, PS4:Moderate

Color Diagnostics, LLC DBA Color Health
Classification: Pathogenic for Hereditary cancer-predisposing syndrome. Last evaluated: 2025-11-10. Review status: criteria provided, single submitter. Criteria: ACMG Guidelines, 2015. Collection method: clinical testing. Allele origin: germline.
Comment: The CDKN2A locus encodes two different gene products, p16INK4a and p14ARF. This variant is located in the 5' untranslated region of the CDKN2A gene (P16INK4A). A functional study has shown that this variant creates a new translation initiation AUG codon, and translation initiation from this novel site results in a truncated protein, while blocking wild-type protein expression (PMID: 9916806). This variant has been reported in over thirty individuals affected with melanoma (PMID: 9916806, 16397522, 17713569, 18025365, 19523171, 25023876, 25780468, 26581427, 26681309, 26775776, 29263814, 31567591) and has been shown to segregate with melanoma and pancreatic cancer in four different families (PMID: 9916806). This variant has been identified in 6/146754 chromosomes in the general population by the Genome Aggregation Database (gnomAD). Based on the available evidence, this variant is classified as Pathogenic.

Ambry Genetics
Classification: Pathogenic for Hereditary cancer-predisposing syndrome. Last evaluated: 2025-02-14. Review status: criteria provided, single submitter. Criteria: Ambry Variant Classification Scheme 2023. Collection method: clinical testing. Allele origin: germline.
Comment: The c.-34G>T pathogenic mutation is located in the 5' untranslated region (5'UTR) of the CDKN2A gene. This mutation results from a G to T substitution 34 nucleotides upstream from the first translated codon. This sequence alteration creates a potential AUG initiation codon at base -35 and translation initiation from this novel start site predicts a truncated protein with no homology to wild type (Liu L et al. Nat. Genet. 1999 Jan;21:128-32). Functional studies demonstrate that the c.-34G>T mutation severely reduces the reporter activity in every cell type tested (Bisio A et al. Hum. Mol. Genet. 2010 Apr;19:1479-91). This alteration was identified in an individual with at least 3 primary melanoma diagnoses (Li C et al. Melanoma Res. 2020 06;30:247-251). In addition, this alteration has been reported in numerous families with melanoma, pancreatic cancer, and/or atypical nevi, and has been shown to segregate with disease (Liu L et al. Nat. Genet. 1999 Jan;21:128-32; Berwick M et al. Cancer Epidemiol. Biomarkers Prev. 2006 Aug;15:1520-5; Florell SR et al. J. Invest. Dermatol. 2008 Aug;128:2122-5; Larre Borges A et al. Br. J. Dermatol. 2009 Sep;161:536-41; Harland M et al. Hered. Cancer Clin. Pract. 2014 Nov;12:20; Bruno W et al. J. Am. Acad. Dermatol. 2016 Feb;74:325-32; Puig S et al. Genet. Med. 2016 Jul;18:727-36; Taylor NJ et al. J. Invest. Dermatol. 2017 12;137(12):2606-2612; Brand R et al. Cancer. 2018 Sep;124(17):3520-3527). Based on the supporting evidence, this alteration is interpreted as a disease-causing mutation.

GeneDx
Classification: Pathogenic. Last evaluated: 2024-09-20. Review status: criteria provided, single submitter. Criteria: GeneDx Variant Classification Process June 2021. Collection method: clinical testing. Allele origin: germline. Affected: yes.
Comment: Describes a nucleotide substitution 34 base pairs upstream of the ATG translational start site of the CDKN2A gene that creates an aberrant ATG translation initiation codon; Published functional studies demonstrate a damaging effect: decreases translation from the wild-type ATG and results in a truncated protein that significantly affects reporter activity (PMID: 9916806, 20093296); Nucleotide substitution has no predicted effect on splicing and is not conserved across species; This variant is associated with the following publications: (PMID: 26557774, 26775776, 19523171, 16896043, 25780468, 9916806, 20093296, 26581427, 26681309, 26099287, 12072543, 26681312, 16397522, 16905682, 15146471, 28495237, 29263814, 28830827, 30067863, 30117292, 30113427, 31567591, 33077847, 32482799, 34598035, 17713569, 29922827)